The following is an entry in ClinVar:

NM_000388.4(CASR):c.2960T>G (p.Met987Arg)

Gene: CASR (calcium sensing receptor; plus strand). Cytogenetic location: 3q21.1.
Variant type: single nucleotide variant.
Coding change: c.2960T>G on transcript NM_000388.4 (MANE Select); coding-DNA position 2960, T replaced by G.
Protein change: p.Met987Arg; replaces methionine 987 with arginine.
Molecular consequence: missense variant.
Genome position (GRCh38, 1-based): chr3:122,284,914, T>G. VCF-style: chr3-122284914-T-G. GRCh37 (hg19) VCF-style: chr3-122003761-T-G.
Other names: c.2990T>G, p.Met997Arg (NM_001178065.2); short protein forms M987R, M997R.
Identifiers: ClinVar variation 1019857 (VCV001019857.9), dbSNP rs2074949750, ClinGen allele CA354161150.
Genomic context (GRCh38, chr3:122,284,914, plus strand): 5'-TCTTTGGCAGCGGCACGGTCACCTTCTCACTGAGCTTTGATGAGCCTCAGAAGAACGCCA[T>G]GGCCCACAGGAATTCTACGCACCAGAACTCCCTGGAGGCCCAGAAAAGCAGCGATACGCT-3'
Protein context (NP_000379.3, residues 977-997): LSFDEPQKNA[Met987Arg]AHRNSTHQNS

ClinVar aggregate classification (germline): Uncertain significance (1 of 4 stars; one submission).

Conditions:
Autosomal dominant hypocalcemia 1 (HYPOC1). Also called: HYPOCALCEMIA, FAMILIAL. Identifiers: MedGen C3715128, MONDO:0011013, OMIM 601198.
Familial hypocalciuric hypercalcemia (FHH). Also called: Familial benign hypercalcemia. Identifiers: Orphanet 405, MedGen C1809471, MONDO:0018458.

Allele frequency attached by ClinVar (database versions not stated): gnomAD exomes below 0.00001.
gnomAD v4.1: 1 of 1,614,116 alleles (0.000062%); highest among the groups gnomAD compares: Non-Finnish European, 0.000085%; no homozygotes.

Submission:

Labcorp Genetics (formerly Invitae), Labcorp
Classification: Uncertain significance for Familial hypocalciuric hypercalcemia; Autosomal dominant hypocalcemia 1. Last evaluated: 2023-12-23. Review status: criteria provided, single submitter. Criteria: Invitae Variant Classification Sherloc (09022015). Collection method: clinical testing. Allele origin: germline.
Comment: This sequence change replaces methionine, which is neutral and non-polar, with arginine, which is basic and polar, at codon 987 of the CASR protein (p.Met987Arg). This variant is not present in population databases (gnomAD no frequency). This variant has not been reported in the literature in individuals affected with CASR-related conditions. ClinVar contains an entry for this variant (Variation ID: 1019857). An algorithm developed to predict the effect of missense changes on protein structure and function (PolyPhen-2) suggests that this variant is likely to be tolerated. In summary, the available evidence is currently insufficient to determine the role of this variant in disease. Therefore, it has been classified as a Variant of Uncertain Significance.